The following is an entry in ClinVar:

NM_000268.4(NF2):c.568G>T (p.Ala190Ser)

Gene: NF2 (NF2, moesin-ezrin-radixin like (MERLIN) tumor suppressor; plus strand). Cytogenetic location: 22q12.2.
Variant type: single nucleotide variant.
Coding change: c.568G>T on transcript NM_000268.4 (MANE Select); coding-DNA position 568, G replaced by T.
Protein change: p.Ala190Ser; replaces alanine 190 with serine.
Molecular consequence: missense variant. On other transcripts: intron variant (1).
Genome position (GRCh38, 1-based): chr22:29,655,645, G>T. VCF-style: chr22-29655645-G-T. GRCh37 (hg19) VCF-style: chr22-30051634-G-T.
Other names: c.454G>T, p.Ala152Ser (NM_001407053.1, NM_001407056.1); c.445G>T, p.Ala149Ser (NM_001407054.1, NM_001407058.1, NM_001407062.1 and 1 more transcripts); c.442G>T, p.Ala148Ser (NM_001407055.1, NM_181828.3); c.568G>T, p.Ala190Ser (NM_001407057.1, NM_001407059.1, NM_001407060.1 and 4 more transcripts); c.319G>T, p.Ala107Ser (NM_001407063.1, NM_001407064.1, NM_181830.3 and 1 more transcripts); c.34G>T, p.Ala12Ser (NM_001407065.1); c.337G>T, p.Ala113Ser (NM_001407067.1); c.447+13360G>T (NM_181833.3); short protein forms A149S, A190S, A113S, A152S, A107S, A148S, A12S.
Identifiers: ClinVar variation 4119229 (VCV004119229.1).

ClinVar aggregate classification (germline): Uncertain significance (1 of 4 stars; one submission).

Conditions:
Hereditary cancer-predisposing syndrome. Also called: Hereditary neoplastic syndrome; Neoplastic Syndromes, Hereditary; Tumor predisposition; Hereditary Cancer Syndrome. Identifiers: Orphanet 140162, MedGen C0027672, MeSH D009386, MONDO:0015356.

Submission:

Ambry Genetics
Classification: Uncertain significance for Hereditary cancer-predisposing syndrome. Last evaluated: 2025-09-10. Review status: criteria provided, single submitter. Criteria: Ambry Variant Classification Scheme 2023. Collection method: clinical testing. Allele origin: germline.
Comment: The p.A190S variant (also known as c.568G>T), located in coding exon 6 of the NF2 gene, results from a G to T substitution at nucleotide position 568. The alanine at codon 190 is replaced by serine, an amino acid with similar properties. This amino acid position is conserved. In addition, this alteration is predicted to be tolerated by in silico analysis. Based on the available evidence, the clinical significance of this variant remains unclear.